The following is an entry in ClinVar:

ClinVar aggregate classification (germline): Uncertain significance. Review status: criteria provided, multiple submitters, no conflicts (2 of 4 stars). 2 submissions from 2 submitters: Uncertain significance (2). Last evaluated 2025-02-05.

Conditions:
Inborn genetic diseases. Identifiers: MedGen C0950123, MeSH D030342.

Submissions (2):

GeneDx
Classification: Uncertain significance. Last evaluated: 2025-02-05. Review status: criteria provided, single submitter. Criteria: GeneDx Variant Classification Process June 2021. Collection method: clinical testing. Allele origin: germline. Affected: yes.
Comment: Not observed at significant frequency in large population cohorts (gnomAD); In silico analysis supports that this missense variant has a deleterious effect on protein structure/function; Has not been previously published as pathogenic or benign to our knowledge

Ambry Genetics
Classification: Uncertain significance for Inborn genetic diseases. Last evaluated: 2020-03-21. Review status: criteria provided, single submitter. Criteria: Ambry Variant Classification Scheme 2023. Collection method: clinical testing. Allele origin: germline.
Comment: The p.P1031S variant (also known as c.3091C>T), located in coding exon 14 of the ATP7A gene, results from a C to T substitution at nucleotide position 3091. The proline at codon 1031 is replaced by serine, an amino acid with similar properties. This amino acid position is highly conserved in available vertebrate species. In addition, the in silico prediction for this alteration is inconclusive. Since supporting evidence is limited at this time, the clinical significance of this alteration remains unclear.

NM_000052.7(ATP7A):c.3091C>T (p.Pro1031Ser)

Gene: ATP7A (ATPase copper transporting alpha; plus strand). Cytogenetic location: Xq21.1.
Variant type: single nucleotide variant.
Coding change: c.3091C>T on transcript NM_000052.7 (MANE Select); coding-DNA position 3091, C replaced by T.
Protein change: p.Pro1031Ser; replaces proline 1031 with serine.
Molecular consequence: missense variant.
Genome position (GRCh38, 1-based): chrX:78,029,424, C>T. VCF-style: chrX-78029424-C-T. GRCh37 (hg19) VCF-style: chrX-77284921-C-T.
Other names: c.2857C>T, p.Pro953Ser (NM_001282224.2); short protein forms P953S, P1031S.
Identifiers: ClinVar variation 1727470 (VCV001727470.3), dbSNP rs2522392682, ClinGen allele CA413603365.